The following is an entry in ClinVar:

NM_001165963.4(SCN1A):c.1139del (p.Thr380fs)

Gene: SCN1A (sodium voltage-gated channel alpha subunit 1; minus strand). Cytogenetic location: 2q24.3.
Variant type: Deletion.
Coding change: c.1139del on transcript NM_001165963.4 (MANE Select); coding-DNA position 1139, one base deleted (C; older notation c.1139delC).
Protein change: p.Thr380fs; shifts the reading frame from threonine 380.
Molecular consequence: frameshift variant. On other transcripts: 5 prime UTR variant (1), non-coding transcript variant (1).
Genome position (GRCh38, 1-based): chr2:166,047,658, G deleted on the plus strand (C on the coding strand, the reverse complement: SCN1A is on the minus strand). VCF-style (leftmost placement, unchanged base first): chr2-166047657-AG-A. GRCh37 (hg19) VCF-style: chr2-166904167-AG-A.
Other names: c.1139del, p.Thr380fs (NM_001165964.3, NM_001202435.3, NM_001353948.2 and 10 more transcripts); c.-1287del (NM_001353961.2); short protein forms T380fs.
Identifiers: ClinVar variation 206879 (VCV000206879.1), dbSNP rs796053047, ClinGen allele CA317661.

ClinVar aggregate classification (germline): Pathogenic (1 of 4 stars; one submission).

Submission:

GeneDx
Classification: Pathogenic. Last evaluated: 2013-07-02. Review status: criteria provided, single submitter. Criteria: GeneDx Variant Classification (06012015). Collection method: clinical testing. Allele origin: germline. Affected: yes.
Comment: c.1139delC: p.Thr380IlefsX11 (T380IfsX11) in exon 8 of the SCN1A gene (NM_001165963.1) The c.1139delC mutation in the SCN1A gene causes a frameshift starting with codon Threonine 380, changes this amino acid to an Isoleucine residue and creates a premature Stop codon at position 11 of the new reading frame, denoted p.Thr380IlefsX11. This mutation is predicted to cause loss of normal protein function either through protein truncation or nonsense-mediated mRNA decay. Although this mutation has not been previously reported to our knowledge, other frameshift mutations have been reported in SCN1A in association with epilepsy. Therefore, the presence of c.1139delC is consistent with a diagnosis of an SCN1A-related disorder. The variant is found in INFANT-EPI panel(s).